The following is an entry in ClinVar:

ClinVar aggregate classification (germline): Uncertain significance (1 of 4 stars; one submission).

gnomAD v4.1: 1 of 1,613,186 alleles (0.000062%); highest among the groups gnomAD compares: Admixed American, 0.0017%; no homozygotes.

Submission:

Labcorp Genetics (formerly Invitae), Labcorp
Classification: Uncertain significance. Last evaluated: 2024-03-03. Review status: criteria provided, single submitter. Criteria: Invitae Variant Classification Sherloc (09022015). Collection method: clinical testing. Allele origin: germline.
Comment: This sequence change replaces arginine, which is basic and polar, with glycine, which is neutral and non-polar, at codon 222 of the NDUFA9 protein (p.Arg222Gly). This variant is present in population databases (no rsID available, gnomAD 0.003%). This variant has not been reported in the literature in individuals affected with NDUFA9-related conditions. An algorithm developed to predict the effect of missense changes on protein structure and function (PolyPhen-2) suggests that this variant is likely to be tolerated. In summary, the available evidence is currently insufficient to determine the role of this variant in disease. Therefore, it has been classified as a Variant of Uncertain Significance.

NM_005002.5(NDUFA9):c.664C>G (p.Arg222Gly)

Gene: NDUFA9 (NADH:ubiquinone oxidoreductase subunit A9; plus strand). Cytogenetic location: 12p13.32.
Variant type: single nucleotide variant.
Coding change: c.664C>G on transcript NM_005002.5 (MANE Select); coding-DNA position 664, C replaced by G.
Protein change: p.Arg222Gly; replaces arginine 222 with glycine.
Molecular consequence: missense variant.
Genome position (GRCh38, 1-based): chr12:4,668,465, C>G. VCF-style: chr12-4668465-C-G. GRCh37 (hg19) VCF-style: chr12-4777631-C-G.
Other names: short protein forms R222G.
Identifiers: ClinVar variation 3632141 (VCV003632141.2).